The following is an entry in ClinVar:

NM_003978.5(PSTPIP1):c.325C>T (p.Arg109Cys)

Gene: PSTPIP1 (proline-serine-threonine phosphatase interacting protein 1; plus strand). Cytogenetic location: 15q24.3.
Variant type: single nucleotide variant.
Coding change: c.325C>T on transcript NM_003978.5 (MANE Select); coding-DNA position 325, C replaced by T.
Protein change: p.Arg109Cys; replaces arginine 109 with cysteine.
Molecular consequence: missense variant. On other transcripts: non-coding transcript variant (1).
Genome position (GRCh38, 1-based): chr15:77,025,575, C>T. VCF-style: chr15-77025575-C-T. GRCh37 (hg19) VCF-style: chr15-77317916-C-T.
Other names: c.325C>T (NM_003978.3); c.325C>T, p.Arg109Cys (NM_001321135.2); c.298C>T, p.Arg100Cys (NM_001321136.2); c.520C>T, p.Arg174Cys (NM_001321137.1); short protein forms R100C, R109C, R174C.
Identifiers: ClinVar variation 1006201 (VCV001006201.9), dbSNP rs569030059, ClinGen allele CA7675775.

ClinVar aggregate classification (germline): Uncertain significance. Review status: criteria provided, multiple submitters, no conflicts (2 of 4 stars). 2 submissions from 2 submitters: Uncertain significance (2). Last evaluated 2025-04-07.

Conditions:
Inborn genetic diseases. Identifiers: MedGen C0950123, MeSH D030342.
Pyogenic arthritis-pyoderma gangrenosum-acne syndrome (PAPA). Also called: PAPA SYNDROME; FAMILIAL RECURRENT ARTHRITIS. Identifiers: Orphanet 69126, MedGen C1858361, MONDO:0011462, OMIM 604416.

Allele frequency attached by ClinVar (database versions not stated): ExAC below 0.00001; TOPMed below 0.00001; gnomAD 0.00001; gnomAD exomes 0.00001.
gnomAD v4.1: 19 of 1,551,242 alleles (0.0012%); highest among the groups gnomAD compares: African/African-American, 0.0027%; no homozygotes.

Submissions (2):

Labcorp Genetics (formerly Invitae), Labcorp
Classification: Uncertain significance for Pyogenic arthritis-pyoderma gangrenosum-acne syndrome. Last evaluated: 2025-04-07. Review status: criteria provided, single submitter. Criteria: Invitae Variant Classification Sherloc (09022015). Collection method: clinical testing. Allele origin: germline.
Comment: This sequence change replaces arginine, which is basic and polar, with cysteine, which is neutral and slightly polar, at codon 109 of the PSTPIP1 protein (p.Arg109Cys). The frequency data for this variant in the population databases is considered unreliable, as metrics indicate poor data quality at this position in the gnomAD database. This variant has not been reported in the literature in individuals affected with PSTPIP1-related conditions. ClinVar contains an entry for this variant (Variation ID: 1006201). Invitae Evidence Modeling of protein sequence and biophysical properties (such as structural, functional, and spatial information, amino acid conservation, physicochemical variation, residue mobility, and thermodynamic stability) indicates that this missense variant is expected to disrupt PSTPIP1 protein function with a positive predictive value of 80%. In summary, the available evidence is currently insufficient to determine the role of this variant in disease. Therefore, it has been classified as a Variant of Uncertain Significance.

Ambry Genetics
Classification: Uncertain significance for Inborn genetic diseases. Last evaluated: 2025-02-01. Review status: criteria provided, single submitter. Criteria: Ambry Variant Classification Scheme 2023. Collection method: clinical testing. Allele origin: germline.